The following is an entry in ClinVar:

ClinVar aggregate classification (germline): Likely benign. Review status: criteria provided, single submitter (1 of 4 stars). 2 submissions from 2 submitters: Likely benign (1). 1 of the submissions does not count toward it. Last evaluated 2025-04-28.

Conditions:
SRCAP-related disorder. Also called: SRCAP-related condition.

Allele frequency attached by ClinVar (database versions not stated): TOPMed below 0.00001; gnomAD exomes 0.00001; gnomAD 0.00001; ExAC 0.00002.
gnomAD v4.1: 8 of 1,611,864 alleles (0.0005%); highest among the groups gnomAD compares: South Asian, 0.0022%; no homozygotes.

Submissions (2):

Labcorp Genetics (formerly Invitae), Labcorp
Classification: Likely benign. Last evaluated: 2025-04-28. Review status: criteria provided, single submitter. Criteria: Invitae Variant Classification Sherloc (09022015). Collection method: clinical testing. Allele origin: germline.

PreventionGenetics, part of Exact Sciences
Classification: Likely benign for SRCAP-related condition. Last evaluated: 2019-05-20. Review status: no assertion criteria provided. Collection method: clinical testing. Allele origin: germline. Not counted in ClinVar's aggregate classification.
Comment: This variant is classified as likely benign based on ACMG/AMP sequence variant interpretation guidelines (Richards et al. 2015 PMID: 25741868, with internal and published modifications).

NM_006662.3(SRCAP):c.6494+7C>T

Gene: SRCAP (Snf2 related CREBBP activator protein; plus strand). Cytogenetic location: 16p11.2.
Variant type: single nucleotide variant.
Coding change: c.6494+7C>T on transcript NM_006662.3 (MANE Select); 7 bases into the intron after coding-DNA position 6494, C replaced by T.
Molecular consequence: intron variant.
Genome position (GRCh38, 1-based): chr16:30,733,805, C>T. VCF-style: chr16-30733805-C-T. GRCh37 (hg19) VCF-style: chr16-30745126-C-T.
Identifiers: ClinVar variation 3039438 (VCV003039438.4), dbSNP rs751504030, ClinGen allele CA8012230.